The following is an entry in ClinVar:

ClinVar aggregate classification (germline): Uncertain significance (1 of 4 stars; one submission).

gnomAD v4.1: 41 of 1,601,134 alleles (0.0026%); highest among the groups gnomAD compares: Admixed American, 0.0033%; no homozygotes.

Submission:

Dasa
Classification: Uncertain significance. Last evaluated: 2025-08-06. Review status: criteria provided, single submitter. Criteria: DASA Assertion Criteria. Collection method: clinical testing. Allele origin: germline.
Comment: NM_001166412.2(SMOC2):c.1321C>T (p.Gln441*) is a nonsense variant in SMOC2 predicted to introduce a premature termination codon and is predicted to result in an absent or altered protein product. This variant is rare in population databases. The currently available literature and clinical evidence are not sufficient to establish a definitive association between this variant and the reported condition. Therefore, this variant is classified as a variant of uncertain significance.

NM_001166412.2(SMOC2):c.1321C>T (p.Gln441Ter)

Gene: SMOC2 (SPARC related modular calcium binding 2; plus strand). Cytogenetic location: 6q27.
Variant type: single nucleotide variant.
Coding change: c.1321C>T on transcript NM_001166412.2 (MANE Select); coding-DNA position 1321, C replaced by T.
Protein change: p.Gln441Ter; replaces glutamine 441 with a stop codon.
Molecular consequence: nonsense.
Genome position (GRCh38, 1-based): chr6:168,664,109, C>T. VCF-style: chr6-168664109-C-T. GRCh37 (hg19) VCF-style: chr6-169064789-C-T.
Other names: c.1354C>T, p.Gln452Ter (NM_022138.3); short protein forms Q441*, Q452*.
Identifiers: ClinVar variation 4884941 (VCV004884941.2).